The following is an entry in ClinVar:

ClinVar aggregate classification (germline): Uncertain significance (1 of 4 stars; one submission).

Conditions:
Lipoic acid synthetase deficiency. Also called: HYPERGLYCINEMIA, LACTIC ACIDOSIS, AND SEIZURES. Identifiers: Orphanet 401859, MedGen C3280887, MONDO:0013762, OMIM 614462.

gnomAD v4.1: 3 of 1,612,928 alleles (0.00019%); highest among the groups gnomAD compares: Admixed American, 0.0033%; no homozygotes.

Submission:

Labcorp Genetics (formerly Invitae), Labcorp
Classification: Uncertain significance for Lipoic acid synthetase deficiency. Last evaluated: 2021-12-09. Review status: criteria provided, single submitter. Criteria: Invitae Variant Classification Sherloc (09022015). Collection method: clinical testing. Allele origin: germline.
Comment: This sequence change replaces glycine, which is neutral and non-polar, with aspartic acid, which is acidic and polar, at codon 120 of the LIAS protein (p.Gly120Asp). This variant is not present in population databases (gnomAD no frequency). This variant has not been reported in the literature in individuals affected with LIAS-related conditions. Algorithms developed to predict the effect of missense changes on protein structure and function (SIFT, PolyPhen-2, Align-GVGD) all suggest that this variant is likely to be disruptive. In summary, the available evidence is currently insufficient to determine the role of this variant in disease. Therefore, it has been classified as a Variant of Uncertain Significance.

NM_006859.4(LIAS):c.359G>A (p.Gly120Asp)

Gene: LIAS (lipoic acid synthetase; plus strand). Cytogenetic location: 4p14.
Variant type: single nucleotide variant.
Coding change: c.359G>A on transcript NM_006859.4 (MANE Select); coding-DNA position 359, G replaced by A.
Protein change: p.Gly120Asp; replaces glycine 120 with aspartic acid.
Molecular consequence: missense variant.
Genome position (GRCh38, 1-based): chr4:39,463,571, G>A. VCF-style: chr4-39463571-G-A. GRCh37 (hg19) VCF-style: chr4-39465191-G-A.
Other names: c.359G>A, p.Gly120Asp (NM_001278590.2, NM_001278591.2, NM_194451.3); c.265G>A, p.Val89Met (NM_001278592.2, NM_001363700.2); short protein forms G120D, V89M.
Identifiers: ClinVar variation 1379792 (VCV001379792.3), dbSNP rs1183607358, ClinGen allele CA356664253.
Genomic context (GRCh38, chr4:39,463,571, plus strand): 5'-CCTTTTGCATACAGGTATGTGAGGAAGCTCGATGTCCCAATATTGGAGAGTGTTGGGGAG[G>A]TGGAGAATATGCCACCGCCACAGCCACGATCATGGTAGGGCCAGCCTCAACCTCTATGGC-3'
Protein context (NP_006850.2, residues 110-130): RCPNIGECWG[Gly120Asp]GEYATATATI